The following is an entry in ClinVar:

ClinVar aggregate classification (germline): Uncertain significance (1 of 4 stars; one submission).

Allele frequency attached by ClinVar (database versions not stated): gnomAD exomes below 0.00001; TOPMed below 0.00001.
gnomAD v4.1: 2 of 1,614,074 alleles (0.00012%); highest among the groups gnomAD compares: Admixed American, 0.0033%; no homozygotes.

Submission:

Labcorp Genetics (formerly Invitae), Labcorp
Classification: Uncertain significance. Last evaluated: 2022-06-22. Review status: criteria provided, single submitter. Criteria: Invitae Variant Classification Sherloc (09022015). Collection method: clinical testing. Allele origin: germline.
Comment: In summary, the available evidence is currently insufficient to determine the role of this variant in disease. Therefore, it has been classified as a Variant of Uncertain Significance. Algorithms developed to predict the effect of sequence changes on RNA splicing suggest that this variant may create or strengthen a splice site. This variant has not been reported in the literature in individuals affected with BICC1-related conditions. This variant is present in population databases (no rsID available, gnomAD 0.003%). This sequence change affects codon 286 of the BICC1 mRNA. It is a 'silent' change, meaning that it does not change the encoded amino acid sequence of the BICC1 protein.

NM_001080512.3(BICC1):c.858C>T (p.Ser286=)

Gene: BICC1 (BicC family RNA binding protein 1; plus strand). Cytogenetic location: 10q21.1.
Variant type: single nucleotide variant.
Coding change: c.858C>T on transcript NM_001080512.3 (MANE Select); coding-DNA position 858, C replaced by T.
Protein change: p.Ser286=; no amino-acid change (serine 286 retained).
Molecular consequence: synonymous variant.
Genome position (GRCh38, 1-based): chr10:58,789,744, C>T. VCF-style: chr10-58789744-C-T. GRCh37 (hg19) VCF-style: chr10-60549504-C-T.
Identifiers: ClinVar variation 2009478 (VCV002009478.4), dbSNP rs1308998335, ClinGen allele CA469988086.